The following is an entry in ClinVar:

NM_001042681.2(RERE):c.1549G>A (p.Asp517Asn)

Gene: RERE (arginine-glutamic acid dipeptide repeats; minus strand). Cytogenetic location: 1p36.23.
Variant type: single nucleotide variant.
Coding change: c.1549G>A on transcript NM_001042681.2 (MANE Select); coding-DNA position 1549, G replaced by A.
Protein change: p.Asp517Asn; replaces aspartic acid 517 with asparagine.
Molecular consequence: missense variant. On other transcripts: 5 prime UTR variant (1).
Genome position (GRCh38, 1-based): chr1:8,364,247, C>T on the plus strand (G>A on the coding strand, the complement: RERE is on the minus strand). VCF-style: chr1-8364247-C-T. GRCh37 (hg19) VCF-style: chr1-8424307-C-T.
Other names: c.-114G>A (NM_001042682.2); c.1549G>A, p.Asp517Asn (NM_012102.4); short protein forms D517N.
Identifiers: ClinVar variation 3369073 (VCV003369073.1).

ClinVar aggregate classification (germline): Uncertain significance (1 of 4 stars; one submission).

Submission:

GeneDx
Classification: Uncertain significance. Last evaluated: 2024-02-12. Review status: criteria provided, single submitter. Criteria: GeneDx Variant Classification Process June 2021. Collection method: clinical testing. Allele origin: germline. Affected: yes.
Comment: Not observed at significant frequency in large population cohorts (gnomAD); In silico analysis supports that this missense variant has a deleterious effect on protein structure/function; Has not been previously published as pathogenic or benign to our knowledge